The following is an entry in ClinVar:

NM_144508.5(KNL1):c.5433A>T (p.Ile1811=)

Gene: KNL1 (kinetochore scaffold 1; plus strand). Cytogenetic location: 15q15.1.
Variant type: single nucleotide variant.
Coding change: c.5433A>T on transcript NM_144508.5 (MANE Select); coding-DNA position 5433, A replaced by T.
Protein change: p.Ile1811=; no amino-acid change (isoleucine 1811 retained).
Molecular consequence: synonymous variant.
Genome position (GRCh38, 1-based): chr15:40,628,126, A>T. VCF-style: chr15-40628126-A-T. GRCh37 (hg19) VCF-style: chr15-40920324-A-T.
Other names: c.5511A>T, p.Ile1837= (NM_170589.5).
Identifiers: ClinVar variation 315868 (VCV000315868.10), dbSNP rs200029926, ClinGen allele CA7483389.

ClinVar aggregate classification (germline): Benign/Likely benign. Review status: criteria provided, multiple submitters, no conflicts (2 of 4 stars). 3 submissions from 3 submitters: Benign (1); Likely benign (2). Last evaluated 2024-09-18.

Conditions:
Microcephaly 4, primary, autosomal recessive. Identifiers: Orphanet 2512, MedGen C1858516, MONDO:0011437, OMIM 604321.

Allele frequency attached by ClinVar (database versions not stated): gnomAD 0.00022 and 0.00025; gnomAD exomes 0.00022 and 0.00068; TOPMed 0.00042; ExAC 0.00066; 1000 Genomes Project 30x 0.00109; 1000 Genomes Project 0.00120.
gnomAD v4.1: 365 of 1,613,048 alleles (0.023%); highest among the groups gnomAD compares: East Asian, 0.78%; 6 homozygotes.

Submissions (3):

Blueprint Genetics
Classification: Likely benign. Last evaluated: 2024-09-18. Review status: criteria provided, single submitter. Criteria: ACMG Guidelines, 2015. Collection method: clinical testing. Allele origin: germline.

Labcorp Genetics (formerly Invitae), Labcorp
Classification: Benign. Last evaluated: 2019-12-31. Review status: criteria provided, single submitter. Criteria: Invitae Variant Classification Sherloc (09022015). Collection method: clinical testing. Allele origin: germline.

Illumina Laboratory Services, Illumina
Classification: Likely benign for Microcephaly 4, primary, autosomal recessive. Last evaluated: 2018-01-12. Review status: criteria provided, single submitter. Criteria: ICSL Variant Classification Criteria 13 December 2019. Collection method: clinical testing. Allele origin: germline.
Comment: This variant was observed in the ICSL laboratory as part of a predisposition screen in an ostensibly healthy population. It had not been previously curated by ICSL or reported in the Human Gene Mutation Database (HGMD: prior to June 1st, 2018), and was therefore a candidate for classification through an automated scoring system. Utilizing variant allele frequency, disease prevalence and penetrance estimates, and inheritance mode, an automated score was calculated to assess if this variant is too frequent to cause the disease. Based on the score and internal cut-off values, a variant classified as likely benign is not then subjected to further curation. The score for this variant resulted in a classification of likely benign for this disease.